The following is an entry in ClinVar:

NM_001711.6(BGN):c.566-3del

Gene: BGN (biglycan; plus strand). Cytogenetic location: Xq28.
Variant type: Deletion.
Coding change: c.566-3del on transcript NM_001711.6 (MANE Select); 3 bases into the intron before coding-DNA position 566, one base deleted (T; older notation c.566-3delT).
Molecular consequence: intron variant.
Genome position (GRCh38, 1-based): chrX:153,506,526, T deleted. VCF-style (leftmost placement, unchanged base first): chrX-153506525-CT-C. GRCh37 (hg19) VCF-style: chrX-152771983-CT-C.
Identifiers: ClinVar variation 2121571 (VCV002121571.4), dbSNP rs2521217178, ClinGen allele CA2580101676.

ClinVar aggregate classification (germline): Uncertain significance (1 of 4 stars; one submission).

Allele frequency attached by ClinVar (database versions not stated): gnomAD exomes below 0.00001.

Submission:

Labcorp Genetics (formerly Invitae), Labcorp
Classification: Uncertain significance. Last evaluated: 2022-05-03. Review status: criteria provided, single submitter. Criteria: Invitae Variant Classification Sherloc (09022015). Collection method: clinical testing. Allele origin: germline.
Comment: This variant is not present in population databases (gnomAD no frequency). This variant has not been reported in the literature in individuals affected with BGN-related conditions. Variants that disrupt the consensus splice site are a relatively common cause of aberrant splicing (PMID: 17576681, 9536098). Algorithms developed to predict the effect of sequence changes on RNA splicing suggest that this variant is not likely to affect RNA splicing. In summary, the available evidence is currently insufficient to determine the role of this variant in disease. Therefore, it has been classified as a Variant of Uncertain Significance. This sequence change falls in intron 4 of the BGN gene. It does not directly change the encoded amino acid sequence of the BGN protein. It affects a nucleotide within the consensus splice site.

Literature cited by the submitters: PubMed 17576681; PubMed 9536098.